The following is an entry in ClinVar:

ClinVar aggregate classification (germline): Benign. Review status: criteria provided, multiple submitters, no conflicts (2 of 4 stars). 2 submissions from 2 submitters: Benign (2). Last evaluated 2018-01-13.

Conditions:
Short-rib thoracic dysplasia 6 with or without polydactyly (SRTD6). Also called: POLYDACTYLY WITH NEONATAL CHONDRODYSTROPHY, TYPE II; Majewski Syndrome; SHORT RIB-POLYDACTYLY SYNDROME, TYPE IIA; SHORT-RIB THORACIC DYSPLASIA 6 WITH POLYDACTYLY; SHORT-RIB THORACIC DYSPLASIA 6 WITHOUT POLYDACTYLY. Identifiers: MedGen C0024507, MONDO:0009894, OMIM 263520.

Allele frequency attached by ClinVar (database versions not stated): gnomAD exomes 0.28333; 1000 Genomes Project 0.36342; 1000 Genomes Project 30x 0.36758; TOPMed 0.37038; gnomAD 0.37237 and 0.37477.
gnomAD v4.1: 56,670 of 152,320 alleles (37%); highest among the groups gnomAD compares: African/African-American, 48%; 11,138 homozygotes.

Submissions (2):

Illumina Laboratory Services, Illumina
Classification: Benign for Short-rib thoracic dysplasia 6 with or without polydactyly. Last evaluated: 2018-01-13. Review status: criteria provided, single submitter. Criteria: ICSL Variant Classification Criteria 13 December 2019. Collection method: clinical testing. Allele origin: germline.
Comment: This variant was observed in the ICSL laboratory as part of a predisposition screen in an ostensibly healthy population. It had not been previously curated by ICSL or reported in the Human Gene Mutation Database (HGMD: prior to June 1st, 2018), and was therefore a candidate for classification through an automated scoring system. Utilizing variant allele frequency, disease prevalence and penetrance estimates, and inheritance mode, an automated score was calculated to assess if this variant is too frequent to cause the disease. Based on the score and internal cut-off values, a variant classified as benign is not then subjected to further curation. The score for this variant resulted in a classification of benign for this disease.

Breakthrough Genomics
Classification: Benign. Review status: criteria provided, single submitter. Criteria: ACMG Guidelines, 2015. Collection method: not provided. Allele origin: germline. Inheritance: Autosomal recessive inheritance. Affected: yes.

NM_001199397.3(NEK1):c.*495T>C

Gene: NEK1 (NIMA related kinase 1; minus strand). Cytogenetic location: 4q33.
Variant type: single nucleotide variant.
Coding change: c.*495T>C on transcript NM_001199397.3 (MANE Select); 495 bases downstream of the stop codon, T replaced by C.
Molecular consequence: 3 prime UTR variant. On other transcripts: non-coding transcript variant (1).
Genome position (GRCh38, 1-based): chr4:169,394,015, A>G on the plus strand (T>C on the coding strand, the complement: NEK1 is on the minus strand). VCF-style: chr4-169394015-A-G. GRCh37 (hg19) VCF-style: chr4-170315166-A-G.
Other names: c.*495T>C (NM_001199398.3, NM_001199399.3, NM_001199400.3 and 5 more transcripts).
Identifiers: ClinVar variation 348083 (VCV000348083.6), dbSNP rs1129694, ClinGen allele CA10618256.